The following is an entry in ClinVar:

NM_058195.4(CDKN2A):c.61A>T (p.Arg21Trp)

Gene: CDKN2A (cyclin dependent kinase inhibitor 2A; minus strand). Cytogenetic location: 9p21.3.
Variant type: single nucleotide variant.
Coding change: c.61A>T on transcript NM_058195.4 (MANE Plus Clinical); coding-DNA position 61, A replaced by T.
Protein change: p.Arg21Trp; replaces arginine 21 with tryptophan.
Molecular consequence: missense variant. On other transcripts: intron variant (1).
Genome position (GRCh38, 1-based): chr9:21,994,271, T>A on the plus strand (A>T on the coding strand, the complement: CDKN2A is on the minus strand). VCF-style: chr9-21994271-T-A. GRCh37 (hg19) VCF-style: chr9-21994270-T-A.
Other names: c.-4+550A>T (NM_001363763.2); short protein forms R21W.
Identifiers: ClinVar variation 3265572 (VCV003265572.1).
Genomic context (GRCh38, chr9:21,994,271, plus strand): 5'-CGGGCGCCCCTGGCGCTGCCCACTCCCCCGTGAGCCGCGGGATGTGAACCACGAAAACCC[T>A]CACTCGCGGCGGGCCGCACGCGCGCCGAATCCGGAGGGTCACCAAGAACCTGCGCACCAT-3'
Protein context (NP_478102.2, residues 11-31): IRRACGPPRV[Arg21Trp]VFVVHIPRLT

ClinVar aggregate classification (germline): Uncertain significance (1 of 4 stars; one submission).

Conditions:
Hereditary cancer-predisposing syndrome. Also called: Neoplastic Syndromes, Hereditary; Tumor predisposition; Hereditary Cancer Syndrome; Hereditary neoplastic syndrome. Identifiers: Orphanet 140162, MedGen C0027672, MeSH D009386, MONDO:0015356.

Submission:

Ambry Genetics
Classification: Uncertain significance for Hereditary cancer-predisposing syndrome. Last evaluated: 2024-06-06. Review status: criteria provided, single submitter. Criteria: Ambry Variant Classification Scheme 2023. Collection method: clinical testing. Allele origin: germline.
Comment: The p.R21W variant (also known as c.61A>T), located in coding exon 1 of the CDKN2A (p14ARF) gene, results from an A to T substitution at nucleotide position 61. The arginine at codon 21 is replaced by tryptophan, an amino acid with dissimilar properties. This amino acid position is well conserved in available vertebrate species. Based on the available evidence, the clinical significance of this variant remains unclear.